The following is an entry in ClinVar:

NM_012470.4(TNPO3):c.2516A>C (p.His839Pro)

Gene: TNPO3 (transportin 3; minus strand). Cytogenetic location: 7q32.1.
Variant type: single nucleotide variant.
Coding change: c.2516A>C on transcript NM_012470.4 (MANE Select); coding-DNA position 2516, A replaced by C.
Protein change: p.His839Pro; replaces histidine 839 with proline.
Molecular consequence: missense variant. On other transcripts: non-coding transcript variant (18).
Genome position (GRCh38, 1-based): chr7:128,970,230, T>G on the plus strand (A>C on the coding strand, the complement: TNPO3 is on the minus strand). VCF-style: chr7-128970230-T-G. GRCh37 (hg19) VCF-style: chr7-128610284-T-G.
Other names: c.2324A>C, p.His775Pro (NM_001191028.3, NM_001382223.1); c.2618A>C, p.His873Pro (NM_001382216.1); c.2597A>C, p.His866Pro (NM_001382217.1); c.2516A>C, p.His839Pro (NM_001382218.1); c.2408A>C, p.His803Pro (NM_001382219.1); c.2375A>C, p.His792Pro (NM_001382220.1); c.2372A>C, p.His791Pro (NM_001382221.1); c.2369A>C, p.His790Pro (NM_001382222.1); short protein forms H775P, H790P, H791P, H792P, H803P, H839P, H866P, H873P.
Identifiers: ClinVar variation 2691509 (VCV002691509.1), dbSNP rs2535922748, ClinGen allele CA369252025.

ClinVar aggregate classification (germline): Uncertain significance (1 of 4 stars; one submission).

gnomAD v4.1: 1 of 1,614,120 alleles (0.000062%); highest among the groups gnomAD compares: Non-Finnish European, 0.000085%; no homozygotes.

Submission:

Women's Health and Genetics/Laboratory Corporation of America, LabCorp
Classification: Uncertain significance. Last evaluated: 2023-12-07. Review status: criteria provided, single submitter. Criteria: LabCorp Variant Classification Summary - May 2015. Collection method: clinical testing. Allele origin: germline.
Comment: Variant summary: TNPO3 c.2516A>C (p.His839Pro) results in a non-conservative amino acid change in the encoded protein sequence. Three of five in-silico tools predict a damaging effect of the variant on protein function. The variant was absent in 251258 control chromosomes. The available data on variant occurrences in the general population are insufficient to allow any conclusion about variant significance. To our knowledge, no occurrence of c.2516A>C in individuals affected with Autosomal Dominant Limb-Girdle Muscular Dystrophy Type 1F and no experimental evidence demonstrating its impact on protein function have been reported. No submitters have cited clinical-significance assessments for this variant to ClinVar after 2014. Based on the evidence outlined above, the variant was classified as uncertain significance.